The following is an entry in ClinVar:

NM_033004.4(NLRP1):c.4371G>C (p.Met1457Ile)

Gene: NLRP1 (NLR family pyrin domain containing 1; minus strand). Cytogenetic location: 17p13.2.
Variant type: single nucleotide variant.
Coding change: c.4371G>C on transcript NM_033004.4 (MANE Select); coding-DNA position 4371, G replaced by C.
Protein change: p.Met1457Ile; replaces methionine 1457 with isoleucine.
Molecular consequence: missense variant. On other transcripts: intron variant (1).
Genome position (GRCh38, 1-based): chr17:5,514,805, C>G on the plus strand (G>C on the coding strand, the complement: NLRP1 is on the minus strand). VCF-style: chr17-5514805-C-G. GRCh37 (hg19) VCF-style: chr17-5418125-C-G.
Other names: c.4371G>C (NM_033004.3); c.4239G>C, p.Met1413Ile (NM_014922.5); c.4281G>C, p.Met1427Ile (NM_033006.4); c.4149G>C, p.Met1383Ile (NM_033007.4); c.4069+2941G>C (NM_001033053.3); short protein forms M1383I, M1427I, M1413I, M1457I.
Identifiers: ClinVar variation 1353932 (VCV001353932.9), dbSNP rs201638843, ClinGen allele CA8326579.

ClinVar aggregate classification (germline): Uncertain significance. Review status: criteria provided, multiple submitters, no conflicts (2 of 4 stars). 2 submissions from 2 submitters: Uncertain significance (2). Last evaluated 2025-05-22.

Conditions:
Inborn genetic diseases. Identifiers: MedGen C0950123, MeSH D030342.

Allele frequency attached by ClinVar (database versions not stated): ExAC 0.00003; gnomAD 0.00003; gnomAD exomes 0.00003 and 0.00007; TOPMed 0.00005; 1000 Genomes Project 30x 0.00016; 1000 Genomes Project 0.00020.

Submissions (2):

Labcorp Genetics (formerly Invitae), Labcorp
Classification: Uncertain significance. Last evaluated: 2025-05-22. Review status: criteria provided, single submitter. Criteria: Invitae Variant Classification Sherloc (09022015). Collection method: clinical testing. Allele origin: germline.
Comment: This sequence change replaces methionine, which is neutral and non-polar, with isoleucine, which is neutral and non-polar, at codon 1457 of the NLRP1 protein (p.Met1457Ile). This variant is present in population databases (rs201638843, gnomAD 0.04%). This variant has not been reported in the literature in individuals affected with NLRP1-related conditions. ClinVar contains an entry for this variant (Variation ID: 1353932). An algorithm developed to predict the effect of missense changes on protein structure and function (PolyPhen-2) suggests that this variant is likely to be tolerated. In summary, the available evidence is currently insufficient to determine the role of this variant in disease. Therefore, it has been classified as a Variant of Uncertain Significance.

Ambry Genetics
Classification: Uncertain significance for Inborn genetic diseases. Last evaluated: 2024-03-07. Review status: criteria provided, single submitter. Criteria: Ambry Variant Classification Scheme 2023. Collection method: clinical testing. Allele origin: germline.